The following is an entry in ClinVar:

NM_005732.4(RAD50):c.2371_2372del (p.Asp791fs)

Gene: RAD50 (RAD50 double strand break repair protein; plus strand). Cytogenetic location: 5q31.1.
Variant type: Deletion.
Coding change: c.2371_2372del on transcript NM_005732.4 (MANE Select); coding-DNA positions 2371 to 2372, 2 bases deleted (GA; older notation c.2371_2372delGA).
Protein change: p.Asp791fs; shifts the reading frame from aspartic acid 791.
Molecular consequence: frameshift variant.
Genome position (GRCh38, 1-based): chr5:132,603,463-132,603,464, GA deleted; deleting any 2 consecutive bases within chr5:132,603,462-132,603,464 gives the same sequence; the c. name uses the placement nearest the transcript's 3' end. VCF-style (leftmost placement, unchanged base first): chr5-132603461-CAG-C. GRCh37 (hg19) VCF-style: chr5-131939153-CAG-C.
Other names: short protein forms D791fs.
Identifiers: ClinVar variation 1069393 (VCV001069393.7), dbSNP rs1234502889, ClinGen allele CA563057579.

ClinVar aggregate classification (germline): Pathogenic (1 of 4 stars; one submission).

Conditions:
Hereditary cancer-predisposing syndrome. Also called: Hereditary neoplastic syndrome; Tumor predisposition; Hereditary Cancer Syndrome; Neoplastic Syndromes, Hereditary. Identifiers: Orphanet 140162, MedGen C0027672, MeSH D009386, MONDO:0015356.

Submission:

Labcorp Genetics (formerly Invitae), Labcorp
Classification: Pathogenic for Hereditary cancer-predisposing syndrome. Last evaluated: 2023-06-20. Review status: criteria provided, single submitter. Criteria: Invitae Variant Classification Sherloc (09022015). Collection method: clinical testing. Allele origin: germline.
Comment: For these reasons, this variant has been classified as Pathogenic. ClinVar contains an entry for this variant (Variation ID: 1069393). This variant has not been reported in the literature in individuals affected with RAD50-related conditions. This sequence change creates a premature translational stop signal (p.Asp791Cysfs*12) in the RAD50 gene. It is expected to result in an absent or disrupted protein product. Loss-of-function variants in RAD50 are known to be pathogenic (PMID: 19409520). This variant is present in population databases (no rsID available, gnomAD 0.007%).

Literature cited by the submitters: PubMed 19409520.